The following is an entry in ClinVar:

ClinVar aggregate classification (germline): Uncertain significance (1 of 4 stars; one submission).

Conditions:
Hereditary cancer-predisposing syndrome. Also called: Neoplastic Syndromes, Hereditary; Tumor predisposition; Hereditary Cancer Syndrome; Hereditary neoplastic syndrome. Identifiers: Orphanet 140162, MedGen C0027672, MeSH D009386, MONDO:0015356.

Submission:

Ambry Genetics
Classification: Uncertain significance for Hereditary cancer-predisposing syndrome. Last evaluated: 2026-04-21. Review status: criteria provided, single submitter. Criteria: Ambry Variant Classification Scheme 2023. Collection method: clinical testing. Allele origin: germline.
Comment: The p.G326E variant (also known as c.977G>A), located in coding exon 7 of the PTCH1 gene, results from a G to A substitution at nucleotide position 977. The glycine at codon 326 is replaced by glutamic acid, an amino acid with similar properties. This amino acid position is conserved. In addition, this alteration is predicted to be deleterious by in silico analysis. Based on the available evidence, the clinical significance of this variant remains unclear.

NM_000264.5(PTCH1):c.977G>A (p.Gly326Glu)

Gene: PTCH1 (patched 1; minus strand). Cytogenetic location: 9q22.32.
Variant type: single nucleotide variant.
Coding change: c.977G>A on transcript NM_000264.5 (MANE Select); coding-DNA position 977, G replaced by A.
Protein change: p.Gly326Glu; replaces glycine 326 with glutamic acid.
Molecular consequence: missense variant. On other transcripts: non-coding transcript variant (1).
Genome position (GRCh38, 1-based): chr9:95,480,059, C>T on the plus strand (G>A on the coding strand, the complement: PTCH1 is on the minus strand). VCF-style: chr9-95480059-C-T. GRCh37 (hg19) VCF-style: chr9-98242341-C-T.
Other names: c.779G>A, p.Gly260Glu (NM_001083602.3); c.974G>A, p.Gly325Glu (NM_001083603.3); c.524G>A, p.Gly175Glu (NM_001083604.3, NM_001083605.3, NM_001083606.3 and 1 more transcripts); c.977G>A, p.Gly326Glu (NM_001354918.2); short protein forms G175E, G260E, G325E, G326E.
Identifiers: ClinVar variation 3231065 (VCV003231065.2), dbSNP rs2118394437, ClinGen allele CA374119757.
Genomic context (GRCh38, chr9:95,480,059, plus strand): 5'-GTGCCACCCACAATCAACTCCTCCTGCCAGTGCATATACTTTCTGGATAAGCCATGACAT[C>T]CACCATTCAAAACAAGGGCCATATCAAGAGGCTAAAATAAAAAGACAGCCACATAATTAT-3'
Protein context (NP_000255.2, residues 316-336): PLDMALVLNG[Gly326Glu]CHGLSRKYMH